The following is an entry in ClinVar:

ClinVar aggregate classification (germline): Uncertain significance (1 of 4 stars; one submission).

Conditions:
Dilated cardiomyopathy 1JJ (CMD1JJ). Identifiers: Orphanet 154, MedGen C3808935, MONDO:0014095, OMIM 615235.

gnomAD v4.1: 2 of 1,614,136 alleles (0.00012%); highest among the groups gnomAD compares: Non-Finnish European, 0.00017%; no homozygotes.

Submission:

Labcorp Genetics (formerly Invitae), Labcorp
Classification: Uncertain significance for Dilated cardiomyopathy 1JJ. Last evaluated: 2020-10-05. Review status: criteria provided, single submitter. Criteria: Invitae Variant Classification Sherloc (09022015). Collection method: clinical testing. Allele origin: germline.
Comment: This sequence change replaces lysine with asparagine at codon 220 of the LAMA4 protein (p.Lys220Asn). The lysine residue is highly conserved and there is a moderate physicochemical difference between lysine and asparagine. This variant is not present in population databases (ExAC no frequency). This variant has not been reported in the literature in individuals with LAMA4-related conditions. Algorithms developed to predict the effect of missense changes on protein structure and function output the following: SIFT: "Tolerated"; PolyPhen-2: "Benign"; Align-GVGD: "Class C0". The asparagine amino acid residue is found in multiple mammalian species, suggesting that this missense change does not adversely affect protein function. These predictions have not been confirmed by published functional studies and their clinical significance is uncertain. In summary, the available evidence is currently insufficient to determine the role of this variant in disease. Therefore, it has been classified as a Variant of Uncertain Significance.

NM_001105206.3(LAMA4):c.660G>C (p.Lys220Asn)

Gene: LAMA4 (laminin subunit alpha 4; minus strand). Cytogenetic location: 6q21.
Variant type: single nucleotide variant.
Coding change: c.660G>C on transcript NM_001105206.3 (MANE Select); coding-DNA position 660, G replaced by C.
Protein change: p.Lys220Asn; replaces lysine 220 with asparagine.
Molecular consequence: missense variant.
Genome position (GRCh38, 1-based): chr6:112,191,694, C>G on the plus strand (G>C on the coding strand, the complement: LAMA4 is on the minus strand). VCF-style: chr6-112191694-C-G. GRCh37 (hg19) VCF-style: chr6-112512896-C-G.
Other names: c.660G>C, p.Lys220Asn (NM_001105207.3, NM_002290.5); short protein forms K220N.
Identifiers: ClinVar variation 1022598 (VCV001022598.8), dbSNP rs1783130186, ClinGen allele CA365377990.